The following is an entry in ClinVar:

NM_020975.6(RET):c.2237T>C (p.Leu746Pro)

Gene: RET (ret proto-oncogene; plus strand). Cytogenetic location: 10q11.21.
Variant type: single nucleotide variant.
Coding change: c.2237T>C on transcript NM_020975.6 (MANE Select); coding-DNA position 2237, T replaced by C.
Protein change: p.Leu746Pro; replaces leucine 746 with proline.
Molecular consequence: missense variant.
Genome position (GRCh38, 1-based): chr10:43,116,684, T>C. VCF-style: chr10-43116684-T-C. GRCh37 (hg19) VCF-style: chr10-43612132-T-C.
Other names: c.2237T>C (NM_020630.5); c.2237T>C, p.Leu746Pro (NM_000323.2, NM_001406743.1, NM_001406744.1 and 4 more transcripts); c.1475T>C, p.Leu492Pro (NM_001355216.2); c.2108T>C, p.Leu703Pro (NM_001406761.1, NM_001406762.1, NM_001406764.1); c.2102T>C, p.Leu701Pro (NM_001406763.1, NM_001406765.1); c.1949T>C, p.Leu650Pro (NM_001406766.1, NM_001406767.1, NM_001406770.1); c.1973T>C, p.Leu658Pro (NM_001406768.1); c.1841T>C, p.Leu614Pro (NM_001406769.1, NM_001406772.1); and 11 more; short protein forms L746P, L492P, L402P, L407P, L311P, L504P, L600P, L650P.
Identifiers: ClinVar variation 1383725 (VCV001383725.9), dbSNP rs755085530, ClinGen allele CA037931.

ClinVar aggregate classification (germline): Uncertain significance. Review status: criteria provided, multiple submitters, no conflicts (2 of 4 stars). 4 submissions from 4 submitters: Uncertain significance (4). Last evaluated 2024-11-18.

Conditions:
Hereditary cancer-predisposing syndrome. Also called: Tumor predisposition; Neoplastic Syndromes, Hereditary; Hereditary Cancer Syndrome; Hereditary neoplastic syndrome. Identifiers: Orphanet 140162, MedGen C0027672, MeSH D009386, MONDO:0015356.
Multiple endocrine neoplasia, type 2 (MEN2). Identifiers: Orphanet 653, MedGen C4048306, MONDO:0019003. Disease mechanism: gain of function.
Multiple endocrine neoplasia type 2A. Also called: MULTIPLE ENDOCRINE NEOPLASIA, TYPE IIA; PTC SYNDROME; SIPPLE SYNDROME; MEN 2A; MEN-2A syndrome; Pheochromocytoma and amyloid producing medullary thyroid carcinoma. Identifiers: Orphanet 247698, Orphanet 653, MedGen C0025268, MeSH D018813, MONDO:0008234, OMIM 171400.

Allele frequency attached by ClinVar (database versions not stated): gnomAD exomes 0.00001; ExAC 0.00002.
gnomAD v4.1: 3 of 1,613,172 alleles (0.00019%); highest among the groups gnomAD compares: Admixed American, 0.0033%; 1 homozygote.

Submissions (4):

St. Jude Molecular Pathology, St. Jude Children's Research Hospital
Classification: Uncertain significance for Multiple endocrine neoplasia type 2A. Last evaluated: 2024-11-18. Review status: criteria provided, single submitter. Criteria: St. Jude Assertion Criteria 2020. Collection method: clinical testing. Allele origin: germline.
Comment: The RET c.2237T>C (p.Leu746Pro) missense change has a maximum subpopulation frequency of 0.0058% in gnomAD v2.1.1. The in silico tool REVEL predicts a deleterious effect on protein function, but to our knowledge this prediction has not been confirmed by functional studies. To our knowledge, this variant has not been reported in the literature in individuals with multiple endocrine neoplasia type II. In summary, the evidence currently available is insufficient to determine the clinical significance of this variant. It has therefore been classified as of uncertain significance.

Labcorp Genetics (formerly Invitae), Labcorp
Classification: Uncertain significance for Multiple endocrine neoplasia, type 2. Last evaluated: 2024-06-15. Review status: criteria provided, single submitter. Criteria: Invitae Variant Classification Sherloc (09022015). Collection method: clinical testing. Allele origin: germline.
Comment: This sequence change replaces leucine, which is neutral and non-polar, with proline, which is neutral and non-polar, at codon 746 of the RET protein (p.Leu746Pro). This variant is present in population databases (rs755085530, gnomAD 0.006%). This variant has not been reported in the literature in individuals affected with RET-related conditions. ClinVar contains an entry for this variant (Variation ID: 1383725). An algorithm developed to predict the effect of missense changes on protein structure and function (PolyPhen-2) suggests that this variant is likely to be disruptive. In summary, the available evidence is currently insufficient to determine the role of this variant in disease. Therefore, it has been classified as a Variant of Uncertain Significance.

Ambry Genetics
Classification: Uncertain significance for Hereditary cancer-predisposing syndrome. Last evaluated: 2023-09-28. Review status: criteria provided, single submitter. Criteria: Ambry Variant Classification Scheme 2023. Collection method: clinical testing. Allele origin: germline.
Comment: The p.L746P variant (also known as c.2237T>C), located in coding exon 12 of the RET gene, results from a T to C substitution at nucleotide position 2237. The leucine at codon 746 is replaced by proline, an amino acid with similar properties. This amino acid position is conserved. In addition, this alteration is predicted to be deleterious by in silico analysis. Since supporting evidence is limited at this time, the clinical significance of this alteration remains unclear.

GeneDx
Classification: Uncertain significance. Last evaluated: 2022-07-16. Review status: criteria provided, single submitter. Criteria: GeneDx Variant Classification Process June 2021. Collection method: clinical testing. Allele origin: germline. Affected: yes.
Comment: Not observed at a significant frequency in large population cohorts (gnomAD); In silico analysis supports that this missense variant has a deleterious effect on protein structure/function; Has not been previously published as pathogenic or benign to our knowledge; This variant is associated with the following publications: (PMID: 14633923)